The following is an entry in ClinVar:

ClinVar aggregate classification (germline): Uncertain significance. Review status: criteria provided, multiple submitters, no conflicts (2 of 4 stars). 2 submissions from 2 submitters: Uncertain significance (2). Last evaluated 2025-12-04.

Conditions:
Hereditary cancer-predisposing syndrome. Also called: Hereditary neoplastic syndrome; Tumor predisposition; Hereditary Cancer Syndrome; Neoplastic Syndromes, Hereditary. Identifiers: Orphanet 140162, MedGen C0027672, MeSH D009386, MONDO:0015356.
Tuberous sclerosis 2 (TSC2). Identifiers: Orphanet 805, MedGen C1860707, MONDO:0013199, OMIM 613254.

Submissions (2):

Ambry Genetics
Classification: Uncertain significance for Hereditary cancer-predisposing syndrome. Last evaluated: 2025-12-04. Review status: criteria provided, single submitter. Criteria: Ambry Variant Classification Scheme 2023. Collection method: clinical testing. Allele origin: germline.
Comment: The p.T725N variant (also known as c.2174C>A), located in coding exon 19 of the TSC2 gene, results from a C to A substitution at nucleotide position 2174. The threonine at codon 725 is replaced by asparagine, an amino acid with similar properties. This amino acid position is conserved. In addition, the in silico prediction for this alteration is inconclusive. Based on the available evidence, the clinical significance of this variant remains unclear.

Labcorp Genetics (formerly Invitae), Labcorp
Classification: Uncertain significance for Tuberous sclerosis 2. Last evaluated: 2018-06-25. Review status: criteria provided, single submitter. Criteria: Invitae Variant Classification Sherloc (09022015). Collection method: clinical testing. Allele origin: germline.
Comment: In summary, the available evidence is currently insufficient to determine the role of this variant in disease. Therefore, it has been classified as a Variant of Uncertain Significance. Algorithms developed to predict the effect of missense changes on protein structure and function (SIFT, PolyPhen-2, Align-GVGD) all suggest that this variant is likely to be tolerated, but these predictions have not been confirmed by published functional studies and their clinical significance is uncertain. This variant has not been reported in the literature in individuals with TSC2-related disease. This variant is not present in population databases (ExAC no frequency). This sequence change replaces threonine with asparagine at codon 725 of the TSC2 protein (p.Thr725Asn). The threonine residue is moderately conserved and there is a small physicochemical difference between threonine and asparagine.

NM_000548.5(TSC2):c.2174C>A (p.Thr725Asn)

Gene: TSC2 (TSC complex subunit 2; plus strand). Cytogenetic location: 16p13.3.
Variant type: single nucleotide variant.
Coding change: c.2174C>A on transcript NM_000548.5 (MANE Select); coding-DNA position 2174, C replaced by A.
Protein change: p.Thr725Asn; replaces threonine 725 with asparagine.
Molecular consequence: missense variant.
Genome position (GRCh38, 1-based): chr16:2,072,317, C>A. VCF-style: chr16-2072317-C-A. GRCh37 (hg19) VCF-style: chr16-2122318-C-A.
Other names: c.2174C>A, p.Thr725Asn (NM_001077183.3, NM_001114382.3, NM_001363528.2 and 3 more transcripts); c.2063C>A, p.Thr688Asn (NM_001318827.2); c.2027C>A, p.Thr676Asn (NM_001318829.2); c.1574C>A, p.Thr525Asn (NM_001318831.2); c.2207C>A, p.Thr736Asn (NM_001318832.2); short protein forms T725N, T525N, T676N, T688N, T736N.
Identifiers: ClinVar variation 580443 (VCV000580443.9), dbSNP rs1567467623, ClinGen allele CA394274924.
Genomic context (GRCh38, chr16:2,072,317, plus strand): 5'-TGCTGAAGCTGGTTCTGGGCAGGCTGCCTGAGTCCCTGCGCTATAAAGTGCTCATCTTTA[C>A]TTCCCCTTGCAGTGTGGACCAGCTGTGCTCTGCTCTCTGCTCCATGGTACCATGGCCGGC-3'
Protein context (NP_000539.2, residues 715-735): ESLRYKVLIF[Thr725Asn]SPCSVDQLCS